The following is an entry in ClinVar:

NM_032043.3(BRIP1):c.3292G>C (p.Ala1098Pro)

Gene: BRIP1 (BRCA1 interacting DNA helicase 1; minus strand). Cytogenetic location: 17q23.2.
Variant type: single nucleotide variant.
Coding change: c.3292G>C on transcript NM_032043.3 (MANE Select); coding-DNA position 3292, G replaced by C.
Protein change: p.Ala1098Pro; replaces alanine 1098 with proline.
Molecular consequence: missense variant.
Genome position (GRCh38, 1-based): chr17:61,683,754, C>G on the plus strand (G>C on the coding strand, the complement: BRIP1 is on the minus strand). VCF-style: chr17-61683754-C-G. GRCh37 (hg19) VCF-style: chr17-59761115-C-G.
Other names: short protein forms A1098P.
Identifiers: ClinVar variation 3228124 (VCV003228124.1), dbSNP rs1034545913, ClinGen allele CA400479042.
Genomic context (GRCh38, chr17:61,683,754, plus strand): 5'-TTGAAGTGGACTGTTTATCTTCTTCACTTACTAGAGACAATTCAATGTCTGGATCCAGGG[C>G]TTCTTCAGAACAGAGCGGATGTTCAGAATGATTTTTTCTAGTAAGGGTGGCATCAATCTT-3'
Protein context (NP_114432.2, residues 1088-1108): HSEHPLCSEE[Ala1098Pro]LDPDIELSLV

ClinVar aggregate classification (germline): Uncertain significance (1 of 4 stars; one submission).

Conditions:
Hereditary cancer-predisposing syndrome. Also called: Neoplastic Syndromes, Hereditary; Tumor predisposition; Hereditary neoplastic syndrome; Hereditary Cancer Syndrome. Identifiers: Orphanet 140162, MedGen C0027672, MeSH D009386, MONDO:0015356.

Submission:

Ambry Genetics
Classification: Uncertain significance for Hereditary cancer-predisposing syndrome. Last evaluated: 2024-02-23. Review status: criteria provided, single submitter. Criteria: Ambry Variant Classification Scheme 2023. Collection method: clinical testing. Allele origin: germline.
Comment: The p.A1098P variant (also known as c.3292G>C), located in coding exon 19 of the BRIP1 gene, results from a G to C substitution at nucleotide position 3292. The alanine at codon 1098 is replaced by proline, an amino acid with highly similar properties. This amino acid position is conserved. In addition, this alteration is predicted to be tolerated by in silico analysis. Based on the available evidence, the clinical significance of this alteration remains unclear.